The following is an entry in ClinVar:

ClinVar aggregate classification (germline): other (0 of 4 stars; one submission).

Conditions:
Familial colorectal cancer. Identifiers: MedGen CN280943, MONDO:0023113. Disease mechanism: loss of function.

Allele frequency attached by ClinVar (database versions not stated): gnomAD 0.53521 and 0.54369; TOPMed 0.55902; 1000 Genomes Project 30x 0.61633; 1000 Genomes Project 0.61941.
gnomAD v4.1: 82,492 of 151,662 alleles (54%); highest among the groups gnomAD compares: East Asian, 81%; 22,957 homozygotes.

Submission:

Systems Biology Platform Zhejiang California International NanoSystems Institute
Classification: other for Familial colorectal cancer. Review status: no assertion criteria provided. Collection method: not provided. Allele origin: unknown.
ClinVar note: Converted during submission from cancer to other.

NM_000038.6(APC):c.-18-3243T>G

Gene: APC (APC regulator of WNT signaling pathway; plus strand). Cytogenetic location: 5q22.2.
Variant type: single nucleotide variant.
Coding change: c.-18-3243T>G on transcript NM_000038.6 (MANE Select); 3243 bases into the intron before 18 bases upstream of the start codon, T replaced by G.
Molecular consequence: intron variant.
Genome position (GRCh38, 1-based): chr5:112,751,630, T>G. VCF-style: chr5-112751630-T-G. GRCh37 (hg19) VCF-style: chr5-112087327-T-G.
Other names: c.-18-3243T>G (NM_001354895.2, NM_001127510.3, NM_001354896.2 and 2 more transcripts); c.166-14696T>G (NM_001354897.2, NM_001354902.2, NM_001127511.3); c.60+13170T>G (NM_001354898.2, NM_001354904.2); c.-1053-3243T>G (NM_001354906.2); c.-43+13705T>G (NM_001354900.2, NM_001354901.2, NM_001354905.2).
Identifiers: ClinVar variation 82801 (VCV000082801.2), dbSNP rs11954856, ClinGen allele CA006071.
Genomic context (GRCh38, chr5:112,751,630, plus strand): 5'-TTATTGTAAATGGGATCTTTTCTTTCATTTATCTTCTGTCTGGTTTCTCTCCCCTATAAA[T>G]GAATGATTTCTGTATATTTTGTACTATACTGTATTGCCAAATTATATTATTATAATAATA-3'